The following is an entry in ClinVar:

NM_001148.6(ANK2):c.10757-9A>G

Gene: ANK2 (ankyrin 2; plus strand). Cytogenetic location: 4q26.
Variant type: single nucleotide variant.
Coding change: c.10757-9A>G on transcript NM_001148.6 (MANE Select); 9 bases into the intron before coding-DNA position 10757, A replaced by G.
Molecular consequence: intron variant.
Genome position (GRCh38, 1-based): chr4:113,363,329, A>G. VCF-style: chr4-113363329-A-G. GRCh37 (hg19) VCF-style: chr4-114284485-A-G.
Other names: p.?; c.4502-9A>G (NM_020977.4, NM_020977.5); c.4487-9A>G (NM_001386186.2, NM_001386148.2); c.4289-9A>G (NM_001354269.3); c.4367-9A>G (NM_001386187.2); c.4328-9A>G (NM_001386147.1); c.4346-9A>G (NM_001386160.1); c.4451-9A>G (NM_001354254.2); and 36 more.
Identifiers: ClinVar variation 3716371 (VCV003716371.3).
Genomic context (GRCh38, chr4:113,363,329, plus strand): 5'-CACAAAGCAAAATGTAGAGACTGAAACCTTGAAGTTAATGTGTTTACAAAGTAGTATTTT[A>G]TCTTCTAGAATTAGCAAGAGAACTGGATTTCACTGAGGAGCAAATTCATCAAATTCGAAT-3'

ClinVar aggregate classification (germline): Likely benign. Review status: criteria provided, multiple submitters, no conflicts (2 of 4 stars). 2 submissions from 2 submitters: Likely benign (2). Last evaluated 2025-11-17.

Conditions:
Long QT syndrome (LQTS). Identifiers: MedGen C0023976, MeSH D008133, MONDO:0002442. Disease mechanism: loss of function. Inheritance: Various modes of inheritance.

gnomAD v4.1: 1 of 1,612,476 alleles (0.000062%); highest among the groups gnomAD compares: Non-Finnish European, 0.000085%; no homozygotes.

Submissions (2):

Labcorp Genetics (formerly Invitae), Labcorp
Classification: Likely benign for Long QT syndrome. Last evaluated: 2025-11-17. Review status: criteria provided, single submitter. Criteria: Invitae Variant Classification Sherloc (09022015). Collection method: clinical testing. Allele origin: germline.

Mayo Clinic Laboratories, Mayo Clinic
Classification: Likely benign. Last evaluated: 2025-08-27. Review status: criteria provided, single submitter. Criteria: ACMG Guidelines, 2015. Collection method: clinical testing. Allele origin: germline. Observed: 1 variant allele.
Comment: BP4, BP7, PM2_supporting